The following is an entry in ClinVar:

NM_152564.5(VPS13B):c.6657+1G>A

Gene: VPS13B (vacuolar protein sorting 13 homolog B; plus strand). Cytogenetic location: 8q22.2.
Variant type: single nucleotide variant.
Coding change: c.6657+1G>A on transcript NM_152564.5 (MANE Select); the canonical splice donor site of the intron after coding-DNA position 6657, G replaced by A.
Molecular consequence: splice donor variant.
Genome position (GRCh38, 1-based): chr8:99,717,374, G>A. VCF-style: chr8-99717374-G-A. GRCh37 (hg19) VCF-style: chr8-100729602-G-A.
Other names: c.6732+1G>A (NM_017890.5); c.6657+1G>A (NM_152564.4).
Identifiers: ClinVar variation 56683 (VCV000056683.39), dbSNP rs180177366, ClinGen allele CA264113.

ClinVar aggregate classification (germline): Pathogenic. Review status: criteria provided, multiple submitters, no conflicts (2 of 4 stars). 17 submissions from 17 submitters: Pathogenic (14). 3 of the submissions do not count toward it. Last evaluated 2026-07-01.

Conditions:
VPS13B-related disorder. Also called: VPS13B-related condition.
Inborn genetic diseases. Identifiers: MedGen C0950123, MeSH D030342.
Cohen syndrome (COH1). Also called: PEPPER SYNDROME; Cutis verticis gyrata, retinitis pigmentosa, and sensorineural deafness. Identifiers: Orphanet 193, MedGen C0265223, MONDO:0008999, OMIM 216550.

Allele frequency attached by ClinVar (database versions not stated): ExAC 0.00002; gnomAD exomes 0.00004; TOPMed 0.00007; gnomAD 0.00010; ESP Exome Variant Server 0.00015.
gnomAD v4.1: 143 of 1,613,286 alleles (0.0089%); highest among the groups gnomAD compares: Non-Finnish European, 0.011%; no homozygotes.

Submissions (17):

PreventionGenetics, part of Exact Sciences
Classification: Pathogenic for VPS13B-related condition. Last evaluated: 2026-07-01. Review status: criteria provided, single submitter. Criteria: ACMG Guidelines, 2015. Collection method: clinical testing. Allele origin: germline.
Comment: The VPS13B c.6657+1G>A variant is predicted to disrupt the GT donor site and interfere with normal splicing. This variant, also referred to as c.6732+1G>A in an alternate transcript (NM_017890.4), has been reported in the compound heterozygous state in multiple patients with Cohen Syndrome (Kolehmainen et al. 2004. PubMed ID: 15141358; Seifert et al. 2006. PubMed ID: 16648375). This variant has also been found in a patient with retinitis pigmentosa (Zhao et al. 2014. PubMed ID: 25472526). Functional analysis showed that this variant leads to the addition of 4 bases within the mRNA transcript (Seifert et al. 2006. PubMed ID: 16648375). This variant has been interpreted by multiple laboratories in ClinVar as pathogenic (ID: 56683) and has been reported in 0.0093% of alleles in individuals of European (Non-Finnish) descent in gnomAD. Given the evidence, we interpret c.6657+1G>A as pathogenic.

Labcorp Genetics (formerly Invitae), Labcorp
Classification: Pathogenic for Cohen syndrome. Last evaluated: 2025-12-30. Review status: criteria provided, single submitter. Criteria: Invitae Variant Classification Sherloc (09022015). Collection method: clinical testing. Allele origin: germline.
Comment: This sequence change affects a donor splice site in intron 37 of the VPS13B gene. RNA analysis indicates that disruption of this splice site induces altered splicing and may result in an absent or altered protein product. This variant is present in population databases (rs180177366, gnomAD 0.009%). Disruption of this splice site has been observed in individuals with Cohen syndrome (PMID: 15141358, 16648375, 25472526). ClinVar contains an entry for this variant (Variation ID: 56683). Studies have shown that disruption of this splice site results in activation of a cryptic splice site in intron 37, and produces a non-functional protein and/or introduces a premature termination codon (PMID: 16648375). For these reasons, this variant has been classified as Pathogenic.

Natera, Inc.
Classification: Pathogenic for Cohen syndrome. Last evaluated: 2025-05-21. Review status: criteria provided, single submitter. Criteria: Natera Variant Classification Schema (03/2026). Collection method: clinical testing. Allele origin: germline.
Comment: The c.6732+1G>A variant in VPS13B is a canonical splice donor site variant predicted to affect pre-mRNA splicing, which may result in an abnormal transcript and altered protein product. This variant is expected to result in nonsense mediated decay, truncation, or a dysfunctional protein product. This variant is rare in the general population with a frequency below the threshold expected for the associated phenotype(s). This variant has been observed in one or more individuals affected with the associated recessive disease, as either homozygous or compound heterozygous with a second variant (PMID: 16648375, 30144585, 21659346). Given the available evidence, this variant is classified as Pathogenic.

Greenwood Genetic Center Diagnostic Laboratories, Greenwood Genetic Center
Classification: Pathogenic for Cohen syndrome. Last evaluated: 2025-01-07. Review status: criteria provided, single submitter. Criteria: ACMG Guidelines, 2015. Collection method: clinical testing. Allele origin: germline. Affected: yes.
Comment: PVS1, PS3, PM2

Blueprint Genetics
Classification: Pathogenic for VPS13B-related disorders. Last evaluated: 2024-10-16. Review status: criteria provided, single submitter. Criteria: ACMG Guidelines, 2015. Collection method: clinical testing. Allele origin: germline. Affected: yes. Observed: 5 variant alleles.

Baylor Genetics
Classification: Pathogenic for Cohen syndrome. Last evaluated: 2023-05-15. Review status: criteria provided, single submitter. Criteria: ACMG Guidelines, 2015. Collection method: clinical testing. Allele origin: unknown.

GeneDx
Classification: Pathogenic. Last evaluated: 2022-12-09. Review status: criteria provided, single submitter. Criteria: GeneDx Variant Classification Process June 2021. Collection method: clinical testing. Allele origin: germline. Affected: yes.
Comment: Canonical splice site variant predicted to result in a null allele in a gene for which loss of function is a known mechanism of disease; Not observed at significant frequency in large population cohorts (gnomAD); This variant is associated with the following publications: (PMID: 30144585, 25472526, 32777201, 25525159, 22527104, 19006247, 25533962, 15141358, 31980526, 21659346, 16648375)

Victorian Clinical Genetics Services, Murdoch Childrens Research Institute
Classification: Pathogenic for Cohen syndrome. Last evaluated: 2022-09-02. Review status: criteria provided, single submitter. Criteria: ACMG Guidelines, 2015. Collection method: clinical testing. Allele origin: germline. Inheritance: Autosomal recessive inheritance. Affected: yes.
Comment: Based on the classification scheme VCGS_Germline_v1.3.4, this variant is classified as Pathogenic. Following criteria are met: 0102 - Loss of function is a known mechanism of disease in this gene and is associated with Cohen syndrome (MIM#216550). (I) 0106 - This gene is associated with autosomal recessive disease. (I) 0210 - Splice site variant proven to affect splicing of the transcript with a known effect on protein sequence. Studies have shown that disruption of this splice site results in activation of a cryptic splice site in intron 37 and introduces a premature termination codon which results a variant predicted to cause nonsense-mediated decay (NMD) and loss of protein (PMID: 16648375). (SP) 0251 - This variant is heterozygous. (I) 0304 - Variant is present in gnomAD (v2) <0.01 for a recessive condition (13 heterozygotes, 0 homozygotes). (SP) 0311 - An alternative nucleotide change at the same canonical splice site, is present in gnomAD (v3) at a frequency of 0.00002 (1 heterozygote, 0 homozygotes). (I) 0505 - Abnormal splicing is predicted by in silico tools and affected nucleotide is highly conserved. (SP) 0701 - Other NMD-predicted variants comparable to the one identified in this case have very strong previous evidence for pathogenicity (ClinVar). Another canonical splice site variant, c.6657+1G>T using an alternative transcript, has also been reported as pathogenic (ClinVar). (SP) 0801 - This variant has strong previous evidence of pathogenicity in unrelated individuals. This variant has been reported multiple times as pathogenic in ClinVar and reported in patients with Cohen syndrome (PMID: 15141358, 16648375). (I) Legend: (SP) - Supporting pathogenic, (I) - Information, (SB) - Supporting benign

Revvity Omics, Revvity
Classification: Pathogenic for Cohen syndrome. Last evaluated: 2022-08-24. Review status: criteria provided, single submitter. Criteria: ACMG Guidelines, 2015. Collection method: clinical testing. Allele origin: germline.

Fulgent Genetics
Classification: Pathogenic for Cohen syndrome. Last evaluated: 2018-10-31. Review status: criteria provided, single submitter. Criteria: ACMG Guidelines, 2015. Collection method: clinical testing. Allele origin: unknown.

Women's Health and Genetics/Laboratory Corporation of America, LabCorp
Classification: Pathogenic for Cohen syndrome. Last evaluated: 2017-10-13. Review status: criteria provided, single submitter. Criteria: LabCorp Variant Classification Summary - May 2015. Collection method: clinical testing. Allele origin: germline.
Comment: Variant summary: The VPS13B c.6732+1G>A variant involves the alteration of a conserved intronic nucleotide and 3/5 splice prediction tools predict an impact on normal splicing. A functional study, Seifert_2009, found the variant to affect splicing.This variant was found in 11/276880 control chromosomes at a frequency of 0.0000397, which does not exceed the estimated maximal expected allele frequency of a pathogenic VPS13B variant (0.0025). Multiple publications have cited the variant in compound heterozygote COH pts. In addition, multiple clinical diagnostic laboratories/reputable databases classified this variant as "likely pathogenic/pathogenic." Taken together, this variant is classified as pathogenic.

Ambry Genetics
Classification: Pathogenic for Inborn genetic diseases. Last evaluated: 2017-10-12. Review status: criteria provided, single submitter. Criteria: Ambry Variant Classification Scheme 2023. Collection method: clinical testing. Allele origin: germline.
Comment: The c.6732+1G>A intronic pathogenic mutation results from a G to A substitution one nucleotide after coding exon 36 of the VPS13B gene. This mutation has been identified in individuals with clinical features of Cohen syndrome in conjunction with a second pathogenic VPS13B alteration (Kolehmainen J et al. Am. J. Hum. Genet., 2004 Jul;75:122-7; Seifert W et al. J. Med. Genet., 2006 May;43:e22; Zhao L et al. Hum. Genet., 2015 Feb;134:217-30). In addition, RNA studies of one patient with this alteration demonstrated defective splicing with introduction of four additional nucleotides in the transcript (Seifert W et al. J. Med. Genet., 2006 May;43:e22). In addition to the clinical data presented in the literature, alterations that disrupt the canonical splice site are expected to cause aberrant splicing, resulting in an abnormal protein or a transcript that is subject to nonsense-mediated mRNA decay. As such, this alteration is classified as a disease-causing mutation.

Equipe Genetique des Anomalies du Developpement, Université de Bourgogne
Classification: Pathogenic for Cohen syndrome. Last evaluated: 2016-08-03. Review status: criteria provided, single submitter. Criteria: ACMG Guidelines, 2015. Collection method: clinical testing. Allele origin: unknown. Affected: yes. Study: Clinvar_gadteam_Clinical_exome_analysis_3.

Genetic Services Laboratory, University of Chicago
Classification: Pathogenic for Cohen syndrome. Last evaluated: 2015-12-30. Review status: criteria provided, single submitter. Criteria: ACMG Guidelines, 2015. Collection method: clinical testing. Allele origin: germline. Affected: yes.

Counsyl
Classification: Likely pathogenic for Cohen syndrome. Last evaluated: 2015-10-09. Review status: no assertion criteria provided. Collection method: clinical testing. Allele origin: unknown. Not counted in ClinVar's aggregate classification.

Juha Muilu Group; Institute for Molecular Medicine Finland (FIMM)
Classification: Likely pathogenic for Cohen syndrome. Review status: no assertion criteria provided. Collection method: not provided. Allele origin: unknown. Not counted in ClinVar's aggregate classification.
Comment: FinDis database variant: This variant was not found or characterized by our laboratory, data were collected from public sources: see reference
ClinVar note: Converted during submission from probable-pathogenic to Likely pathogenic.

SNPedia
Classification: Pathogenic. Review status: no assertion criteria provided. Collection method: not provided. Allele origin: germline. Not counted in ClinVar's aggregate classification.
ClinVar note: Converted during submission from pathogenic to Pathogenic.

Literature cited by the submitters: PubMed 15141358 (cited by 5 submitters); PubMed 16648375 (cited by 6 submitters); PubMed 25472526 (cited by 4 submitters); PubMed 30144585 (cited by Natera, Inc.); PubMed 21659346 (cited by 3 submitters); PubMed 25326635 (cited by Baylor Genetics); PubMed 22527104 (cited by Women's Health and Genetics/Laboratory Corporation of America, LabCorp); PubMed 25525159 (cited by Counsyl).